The following is an entry in ClinVar:

ClinVar aggregate classification (germline): Uncertain significance. Review status: criteria provided, multiple submitters, no conflicts (2 of 4 stars). 2 submissions from 2 submitters: Uncertain significance (2). Last evaluated 2026-04-09.

Conditions:
KMT2A-related disorder. Also called: KMT2A-related condition.

gnomAD v4.1: 1 of 1,613,016 alleles (0.000062%); highest among the groups gnomAD compares: Non-Finnish European, 0.000085%; no homozygotes.

Submissions (2):

PreventionGenetics, part of Exact Sciences
Classification: Uncertain significance for KMT2A-related condition. Last evaluated: 2026-04-09. Review status: criteria provided, single submitter. Criteria: ACMG Guidelines, 2015. Collection method: clinical testing. Allele origin: germline.
Comment: The KMT2A c.5012A>C variant is predicted to result in the amino acid substitution p.Lys1671Thr. To our knowledge, this variant has not been reported in the literature or in a large population database (gnomAD), indicating this variant is rare. At this time, the clinical significance of this variant is uncertain due to the absence of conclusive functional and genetic evidence.

Labcorp Genetics (formerly Invitae), Labcorp
Classification: Uncertain significance. Last evaluated: 2025-11-08. Review status: criteria provided, single submitter. Criteria: Invitae Variant Classification Sherloc (09022015). Collection method: clinical testing. Allele origin: germline.
Comment: This sequence change replaces lysine, which is basic and polar, with threonine, which is neutral and polar, at codon 1671 of the KMT2A protein (p.Lys1671Thr). This variant is not present in population databases (gnomAD no frequency). This variant has not been reported in the literature in individuals affected with KMT2A-related conditions. Invitae Evidence Modeling of protein sequence and biophysical properties (such as structural, functional, and spatial information, amino acid conservation, physicochemical variation, residue mobility, and thermodynamic stability) has been performed for this missense variant. However, the output from this modeling did not meet the statistical confidence thresholds required to predict the impact of this variant on KMT2A protein function. In summary, the available evidence is currently insufficient to determine the role of this variant in disease. Therefore, it has been classified as a Variant of Uncertain Significance.

NM_001197104.2(KMT2A):c.5012A>C (p.Lys1671Thr)

Gene: KMT2A (lysine methyltransferase 2A; plus strand). Cytogenetic location: 11q23.3.
Variant type: single nucleotide variant.
Coding change: c.5012A>C on transcript NM_001197104.2 (MANE Select); coding-DNA position 5012, A replaced by C.
Protein change: p.Lys1671Thr; replaces lysine 1671 with threonine.
Molecular consequence: missense variant.
Genome position (GRCh38, 1-based): chr11:118,493,064, A>C. VCF-style: chr11-118493064-A-C. GRCh37 (hg19) VCF-style: chr11-118363779-A-C.
Other names: c.5102A>C, p.Lys1701Thr (NM_001412597.1); c.5003A>C, p.Lys1668Thr (NM_005933.4); short protein forms K1668T, K1671T, K1701T.
Identifiers: ClinVar variation 4800538 (VCV004800538.2).